The following is an entry in ClinVar:

ClinVar aggregate classification (germline): Benign (0 of 4 stars; one submission).

Conditions:
EPPK1-related disorder. Also called: EPPK1-related condition.

Allele frequency attached by ClinVar (database versions not stated): 1000 Genomes Project 0.00519; 1000 Genomes Project 30x 0.00593; TOPMed 0.01128; ESP Exome Variant Server 0.01218; gnomAD 0.01282.
gnomAD v4.1: 22,795 of 1,610,486 alleles (1.4%); highest among the groups gnomAD compares: Admixed American, 2.3%; 260 homozygotes.

Submission:

PreventionGenetics, part of Exact Sciences
Classification: Benign for EPPK1-related condition. Last evaluated: 2022-01-31. Review status: no assertion criteria provided. Collection method: clinical testing. Allele origin: germline.
Comment: This variant is classified as benign based on ACMG/AMP sequence variant interpretation guidelines (Richards et al. 2015 PMID: 25741868, with internal and published modifications).

NM_031308.4(EPPK1):c.3197G>A (p.Arg1066His)

Gene: EPPK1 (epiplakin 1; minus strand). Cytogenetic location: 8q24.3.
Variant type: single nucleotide variant.
Coding change: c.3197G>A on transcript NM_031308.4 (MANE Select); coding-DNA position 3197, G replaced by A.
Protein change: p.Arg1066His; replaces arginine 1066 with histidine.
Molecular consequence: missense variant.
Genome position (GRCh38, 1-based): chr8:143,870,057, C>T on the plus strand (G>A on the coding strand, the complement: EPPK1 is on the minus strand). VCF-style: chr8-143870057-C-T. GRCh37 (hg19) VCF-style: chr8-144944225-C-T.
Other names: short protein forms R1066H.
Identifiers: ClinVar variation 3052594 (VCV003052594.2), dbSNP rs118079568, ClinGen allele CA4922843.